The following is an entry in ClinVar:

NM_144670.6(A2ML1):c.2893C>T (p.Gln965Ter)

Gene: A2ML1 (alpha-2-macroglobulin like 1; plus strand). Cytogenetic location: 12p13.31.
Variant type: single nucleotide variant.
Coding change: c.2893C>T on transcript NM_144670.6 (MANE Select); coding-DNA position 2893, C replaced by T.
Protein change: p.Gln965Ter; replaces glutamine 965 with a stop codon.
Molecular consequence: nonsense.
Genome position (GRCh38, 1-based): chr12:8,857,208, C>T. VCF-style: chr12-8857208-C-T. GRCh37 (hg19) VCF-style: chr12-9009804-C-T.
Other names: c.1420C>T, p.Gln474Ter (NM_001282424.3); short protein forms Q474*, Q965*.
Identifiers: ClinVar variation 2051612 (VCV002051612.4), dbSNP rs1221435462, ClinGen allele CA383836153.

ClinVar aggregate classification (germline): Uncertain significance (1 of 4 stars; one submission).

Allele frequency attached by ClinVar (database versions not stated): TOPMed 0.00001; gnomAD 0.00001; gnomAD exomes 0.00001.
gnomAD v4.1: 11 of 1,612,768 alleles (0.00068%); highest among the groups gnomAD compares: Admixed American, 0.0017%; no homozygotes.

Submission:

Labcorp Genetics (formerly Invitae), Labcorp
Classification: Uncertain significance. Last evaluated: 2022-03-24. Review status: criteria provided, single submitter. Criteria: Invitae Variant Classification Sherloc (09022015). Collection method: clinical testing. Allele origin: germline.
Comment: In summary, the available evidence is currently insufficient to determine the role of this variant in disease. Therefore, it has been classified as a Variant of Uncertain Significance. This variant has not been reported in the literature in individuals affected with A2ML1-related conditions. This variant is present in population databases (no rsID available, gnomAD 0.007%). This sequence change creates a premature translational stop signal (p.Gln965*) in the A2ML1 gene. It is expected to result in an absent or disrupted protein product. However, the current clinical and genetic evidence is not sufficient to establish whether loss-of-function variants in A2ML1 cause disease.